The following is an entry in ClinVar:

NM_007118.4(TRIO):c.3004A>G (p.Lys1002Glu)

Gene: TRIO (trio Rho guanine nucleotide exchange factor; plus strand). Cytogenetic location: 5p15.2.
Variant type: single nucleotide variant.
Coding change: c.3004A>G on transcript NM_007118.4 (MANE Select); coding-DNA position 3004, A replaced by G.
Protein change: p.Lys1002Glu; replaces lysine 1002 with glutamic acid.
Molecular consequence: missense variant. On other transcripts: non-coding transcript variant (1).
Genome position (GRCh38, 1-based): chr5:14,368,837, A>G. VCF-style: chr5-14368837-A-G. GRCh37 (hg19) VCF-style: chr5-14368946-A-G.
Other names: short protein forms K1002E.
Identifiers: ClinVar variation 1703263 (VCV001703263.2), dbSNP rs2532689252, ClinGen allele CA359215820.

ClinVar aggregate classification (germline): Uncertain significance (1 of 4 stars; one submission).

Submission:

GeneDx
Classification: Uncertain significance. Last evaluated: 2022-02-25. Review status: criteria provided, single submitter. Criteria: GeneDx Variant Classification Process June 2021. Collection method: clinical testing. Allele origin: germline. Affected: yes.
Comment: Not observed at significant frequency in large population cohorts (gnomAD); In silico analysis supports that this missense variant has a deleterious effect on protein structure/function; Has not been previously published as pathogenic or benign to our knowledge